The following is an entry in ClinVar:

NM_003126.4(SPTA1):c.4347G>T (p.Lys1449Asn)

Gene: SPTA1 (spectrin alpha, erythrocytic 1; minus strand). Cytogenetic location: 1q23.1.
Variant type: single nucleotide variant.
Coding change: c.4347G>T on transcript NM_003126.4 (MANE Select); coding-DNA position 4347, G replaced by T.
Protein change: p.Lys1449Asn; replaces lysine 1449 with asparagine.
Molecular consequence: missense variant.
Genome position (GRCh38, 1-based): chr1:158,643,417, C>A on the plus strand (G>T on the coding strand, the complement: SPTA1 is on the minus strand). VCF-style: chr1-158643417-C-A. GRCh37 (hg19) VCF-style: chr1-158613207-C-A.
Other names: p.Lys1449Asn; c.4347G>T (NM_003126.3); short protein forms K1449N.
Identifiers: ClinVar variation 985090 (VCV000985090.20), dbSNP rs375506528, ClinGen allele CA1182736.

ClinVar aggregate classification (germline): Conflicting classifications of pathogenicity. Review status: criteria provided, conflicting classifications (1 of 4 stars). 7 submissions from 7 submitters: Uncertain significance (6); Likely benign (1). Last evaluated 2025-10-20.

Conditions:
Inborn genetic diseases. Identifiers: MedGen C0950123, MeSH D030342.
Hereditary spherocytosis type 3. Also called: Spherocytosis type 3; SPTA1-Related Spherocytosis. Identifiers: Orphanet 822, MedGen C2678338, MONDO:0010053, OMIM 270970.

Allele frequency attached by ClinVar (database versions not stated): ESP Exome Variant Server 0.00008; ExAC 0.00012; TOPMed 0.00013; gnomAD exomes 0.00028 and 0.00010; gnomAD 0.00009.
gnomAD v4.1: 410 of 1,613,410 alleles (0.025%); highest among the groups gnomAD compares: Non-Finnish European, 0.034%; no homozygotes.

Submissions (7):

GeneDx
Classification: Uncertain significance. Last evaluated: 2025-10-20. Review status: criteria provided, single submitter. Criteria: GeneDx Variant Classification Process June 2021. Collection method: clinical testing. Allele origin: germline.
Comment: Reported along with two additional variants in the SPTA1 gene in patients with suspected hereditary spherocytosis; however, segregation information was not provided (PMID: 31723846, 35845192); Reported along with a second variant in the SPTA1 gene in a patient with hemolytic anemia and a patient with suspected hereditary spherocytosis; however, segregation information was not provided (PMID: 31040790, 35845192); In silico analysis supports that this missense variant has a deleterious effect on protein structure/function; This variant is associated with the following publications: (PMID: 31040790, 35845192, 31723846, 37969868)

Victorian Clinical Genetics Services, Murdoch Childrens Research Institute
Classification: Uncertain significance for Hereditary spherocytosis type 3. Last evaluated: 2025-08-19. Review status: criteria provided, single submitter. Criteria: ACMG Guidelines, 2015. Collection method: clinical testing. Allele origin: germline. Affected: yes.
Comment: This variant is classified as VUS-3B. Evidence in support of pathogenic classification: Variant is present in gnomAD <0.01 (v4: 410 heterozygote(s), 0 homozygote(s)). Additional information: Variant is predicted to result in a missense amino acid change from lysine to asparagine; This variant is homozygous; This gene is associated with both recessive and dominant disease. Autosomal dominant HE are caused by variants resulting in structural defects, mostly located within the a-0 spectrin repeat (PMID: 18218854). HE-causing variants combined with low expression variants frequently results in HPP (PMID: 27667160). Finally, HS is a result of severe deficiency of a-spectrin (PMID: 31364155); Previous evidence of pathogenicity for this variant is inconclusive. It has been found in cis with c.4339-99C>T in two unrelated compound heterozygotes with HS (PMID: 31723846), in cis with c.4339-99C>T in an HS individual where a variant on the 2nd allele was not identified (PMID: 31040790) and heterozygous in two HS individuals with homozygous c.4339-99C>T (PMIDs: 35845192, 31147440). In addition, it is also heterozygous in an HS individual with other causative variants identified, although phasing was not confirmed (PMID: 35845192); No comparable missense variants have previous evidence for pathogenicity; Variant is located in the annotated spectrin-13 repeat (UniProt); Missense variant with inconclusive in silico prediction and/or uninformative conservation; Loss of function is a known mechanism of disease in this gene and is associated with elliptocytosis-2 (HE; MIM#130600), pyropoikilocytosis (HPP; MIM#266140) and spherocytosis, type 3 (HS; MIM#270970); Variants in this gene are known to have variable expressivity (PMID: 31364155); Inheritance information for this variant is not currently available in this individual.

Revvity Omics, Revvity
Classification: Uncertain significance. Last evaluated: 2025-04-10. Review status: criteria provided, single submitter. Criteria: ACMG Guidelines, 2015. Collection method: clinical testing. Allele origin: germline.

Labcorp Genetics (formerly Invitae), Labcorp
Classification: Likely benign. Last evaluated: 2025-03-27. Review status: criteria provided, single submitter. Criteria: Invitae Variant Classification Sherloc (09022015). Collection method: clinical testing. Allele origin: germline.

Blueprint Genetics
Classification: Uncertain significance. Last evaluated: 2024-10-08. Review status: criteria provided, single submitter. Criteria: ACMG Guidelines, 2015. Collection method: clinical testing. Allele origin: germline.

Mayo Clinic Laboratories, Mayo Clinic
Classification: Uncertain significance. Last evaluated: 2022-10-06. Review status: criteria provided, single submitter. Criteria: ACMG Guidelines, 2015. Collection method: clinical testing. Allele origin: germline. Observed: 1 variant allele.
Comment: PM2, PM3

Ambry Genetics
Classification: Uncertain significance for Inborn genetic diseases. Last evaluated: 2018-07-16. Review status: criteria provided, single submitter. Criteria: Ambry exome assertion method (8-5-2015). Collection method: clinical testing. Allele origin: germline. Affected: yes. Observed: 1 variant allele.

Literature cited by the submitters: PubMed 27667160 (cited by Victorian Clinical Genetics Services, Murdoch Childrens Research Institute); PubMed 31040790 (cited by Victorian Clinical Genetics Services, Murdoch Childrens Research Institute and Mayo Clinic Laboratories, Mayo Clinic); PubMed 31364155 (cited by Victorian Clinical Genetics Services, Murdoch Childrens Research Institute); PubMed 31147440 (cited by Victorian Clinical Genetics Services, Murdoch Childrens Research Institute); PubMed 35845192 (cited by Victorian Clinical Genetics Services, Murdoch Childrens Research Institute and Mayo Clinic Laboratories, Mayo Clinic); PubMed 18218854 (cited by Victorian Clinical Genetics Services, Murdoch Childrens Research Institute); PubMed 31723846 (cited by Victorian Clinical Genetics Services, Murdoch Childrens Research Institute and Mayo Clinic Laboratories, Mayo Clinic).